The following is an entry in ClinVar:

ClinVar aggregate classification (germline): Uncertain significance (1 of 4 stars; one submission).

Conditions:
Amyotrophic lateral sclerosis type 15. Also called: AMYOTROPHIC LATERAL SCLEROSIS 15 WITH FRONTOTEMPORAL DEMENTIA. Identifiers: Orphanet 803, MedGen C3275459, MONDO:0010459, OMIM 300857.

gnomAD v4.1: 10 of 1,211,396 alleles (0.00083%); highest among the groups gnomAD compares: Non-Finnish European, 0.001%; no homozygotes.

Submission:

Labcorp Genetics (formerly Invitae), Labcorp
Classification: Uncertain significance for Amyotrophic lateral sclerosis type 15. Last evaluated: 2025-10-16. Review status: criteria provided, single submitter. Criteria: Invitae Variant Classification Sherloc (09022015). Collection method: clinical testing. Allele origin: germline.
Comment: This sequence change replaces asparagine, which is neutral and polar, with serine, which is neutral and polar, at codon 117 of the UBQLN2 protein (p.Asn117Ser). This variant is not present in population databases (gnomAD no frequency). This variant has not been reported in the literature in individuals affected with UBQLN2-related conditions. Invitae Evidence Modeling of protein sequence and biophysical properties (such as structural, functional, and spatial information, amino acid conservation, physicochemical variation, residue mobility, and thermodynamic stability) indicates that this missense variant is not expected to disrupt UBQLN2 protein function with a negative predictive value of 80%. In summary, the available evidence is currently insufficient to determine the role of this variant in disease. Therefore, it has been classified as a Variant of Uncertain Significance.

NM_013444.4(UBQLN2):c.350A>G (p.Asn117Ser)

Gene: UBQLN2 (ubiquilin 2; plus strand). Cytogenetic location: Xp11.21.
Variant type: single nucleotide variant.
Coding change: c.350A>G on transcript NM_013444.4 (MANE Select); coding-DNA position 350, A replaced by G.
Protein change: p.Asn117Ser; replaces asparagine 117 with serine.
Molecular consequence: missense variant.
Genome position (GRCh38, 1-based): chrX:56,564,223, A>G. VCF-style: chrX-56564223-A-G. GRCh37 (hg19) VCF-style: chrX-56590656-A-G.
Other names: short protein forms N117S.
Identifiers: ClinVar variation 4806333 (VCV004806333.1).